The following is an entry in ClinVar:

ClinVar aggregate classification (germline): Uncertain significance (1 of 4 stars; one submission).

Submission:

GeneDx
Classification: Uncertain significance. Last evaluated: 2024-06-30. Review status: criteria provided, single submitter. Criteria: GeneDx Variant Classification Process June 2021. Collection method: clinical testing. Allele origin: germline. Affected: yes.
Comment: Not observed at significant frequency in large population cohorts (gnomAD); In silico analysis supports that this missense variant has a deleterious effect on protein structure/function; Has not been previously published as pathogenic or benign to our knowledge

NM_032482.3(DOT1L):c.216G>T (p.Gln72His)

Gene: DOT1L (DOT1 like histone lysine methyltransferase; plus strand). Cytogenetic location: 19p13.3.
Variant type: single nucleotide variant.
Coding change: c.216G>T on transcript NM_032482.3 (MANE Select); coding-DNA position 216, G replaced by T.
Protein change: p.Gln72His; replaces glutamine 72 with histidine.
Molecular consequence: missense variant.
Genome position (GRCh38, 1-based): chr19:2,189,747, G>T. VCF-style: chr19-2189747-G-T. GRCh37 (hg19) VCF-style: chr19-2189746-G-T.
Other names: c.216G>T, p.Gln72His (NM_001411141.1); short protein forms Q72H.
Identifiers: ClinVar variation 3393647 (VCV003393647.1).